The following is an entry in ClinVar:

NM_015559.3(SETBP1):c.1040T>A (p.Ile347Lys)

Gene: SETBP1 (SET binding protein 1; plus strand). Cytogenetic location: 18q12.3.
Variant type: single nucleotide variant.
Coding change: c.1040T>A on transcript NM_015559.3 (MANE Select); coding-DNA position 1040, T replaced by A.
Protein change: p.Ile347Lys; replaces isoleucine 347 with lysine.
Molecular consequence: missense variant.
Genome position (GRCh38, 1-based): chr18:44,950,380, T>A. VCF-style: chr18-44950380-T-A. GRCh37 (hg19) VCF-style: chr18-42530345-T-A.
Other names: c.1040T>A, p.Ile347Lys (NM_001379141.1, NM_001379142.1, NM_001410862.1); short protein forms I347K.
Identifiers: ClinVar variation 4737979 (VCV004737979.1).

ClinVar aggregate classification (germline): Uncertain significance (1 of 4 stars; one submission).

gnomAD v4.1: 1 of 1,613,992 alleles (0.000062%); highest among the groups gnomAD compares: Non-Finnish European, 0.000085%; no homozygotes.

Submission:

Labcorp Genetics (formerly Invitae), Labcorp
Classification: Uncertain significance. Last evaluated: 2025-05-07. Review status: criteria provided, single submitter. Criteria: Invitae Variant Classification Sherloc (09022015). Collection method: clinical testing. Allele origin: germline.
Comment: This sequence change replaces isoleucine, which is neutral and non-polar, with lysine, which is basic and polar, at codon 347 of the SETBP1 protein (p.Ile347Lys). This variant is not present in population databases (gnomAD no frequency). This variant has not been reported in the literature in individuals affected with SETBP1-related conditions. Invitae Evidence Modeling of protein sequence and biophysical properties (such as structural, functional, and spatial information, amino acid conservation, physicochemical variation, residue mobility, and thermodynamic stability) indicates that this missense variant is not expected to disrupt SETBP1 protein function with a negative predictive value of 80%. In summary, the available evidence is currently insufficient to determine the role of this variant in disease. Therefore, it has been classified as a Variant of Uncertain Significance.